The following is an entry in ClinVar:

ClinVar aggregate classification (germline): Uncertain significance (1 of 4 stars; one submission).

Conditions:
Developmental and epileptic encephalopathy, 12 (DEE12). Identifiers: MedGen C3150988, MONDO:0013389, OMIM 613722.

Allele frequency attached by ClinVar (database versions not stated): TOPMed below 0.00001; gnomAD 0.00001; gnomAD exomes 0.00002.
gnomAD v4.1: 9 of 1,548,776 alleles (0.00058%); highest among the groups gnomAD compares: Non-Finnish European, 0.00078%; no homozygotes.

Submission:

Labcorp Genetics (formerly Invitae), Labcorp
Classification: Uncertain significance for Developmental and epileptic encephalopathy, 12. Last evaluated: 2024-07-26. Review status: criteria provided, single submitter. Criteria: Invitae Variant Classification Sherloc (09022015). Collection method: clinical testing. Allele origin: germline.
Comment: This sequence change replaces proline, which is neutral and non-polar, with serine, which is neutral and polar, at codon 444 of the PNKP protein (p.Pro444Ser). This variant is not present in population databases (gnomAD no frequency). This variant has not been reported in the literature in individuals affected with PNKP-related conditions. ClinVar contains an entry for this variant (Variation ID: 936709). Advanced modeling of protein sequence and biophysical properties (such as structural, functional, and spatial information, amino acid conservation, physicochemical variation, residue mobility, and thermodynamic stability) performed at Invitae indicates that this missense variant is not expected to disrupt PNKP protein function with a negative predictive value of 80%. In summary, the available evidence is currently insufficient to determine the role of this variant in disease. Therefore, it has been classified as a Variant of Uncertain Significance.

NM_007254.4(PNKP):c.1330C>T (p.Pro444Ser)

Gene: PNKP (polynucleotide kinase 3'-phosphatase; minus strand). Cytogenetic location: 19q13.33.
Variant type: single nucleotide variant.
Coding change: c.1330C>T on transcript NM_007254.4 (MANE Select); coding-DNA position 1330, C replaced by T.
Protein change: p.Pro444Ser; replaces proline 444 with serine.
Molecular consequence: missense variant.
Genome position (GRCh38, 1-based): chr19:49,861,664, G>A on the plus strand (C>T on the coding strand, the complement: PNKP is on the minus strand). VCF-style: chr19-49861664-G-A. GRCh37 (hg19) VCF-style: chr19-50364921-G-A.
Other names: short protein forms P444S.
Identifiers: ClinVar variation 936709 (VCV000936709.8), dbSNP rs1191025361, ClinGen allele CA406933194.